The following is an entry in ClinVar:

NM_003482.4(KMT2D):c.11670C>T (p.Ser3890=)

Gene: KMT2D (lysine methyltransferase 2D; minus strand). Cytogenetic location: 12q13.12.
Variant type: single nucleotide variant.
Coding change: c.11670C>T on transcript NM_003482.4 (MANE Select); coding-DNA position 11670, C replaced by T.
Protein change: p.Ser3890=; no amino-acid change (serine 3890 retained).
Molecular consequence: synonymous variant.
Genome position (GRCh38, 1-based): chr12:49,033,035, G>A on the plus strand (C>T on the coding strand, the complement: KMT2D is on the minus strand). VCF-style: chr12-49033035-G-A. GRCh37 (hg19) VCF-style: chr12-49426818-G-A.
Identifiers: ClinVar variation 309027 (VCV000309027.48), dbSNP rs376471354, ClinGen allele CA6546302.

ClinVar aggregate classification (germline): Benign/Likely benign. Review status: criteria provided, multiple submitters, no conflicts (2 of 4 stars). 4 submissions from 4 submitters: Benign (1); Likely benign (3). Last evaluated 2026-08-01.

Conditions:
Kabuki syndrome. Also called: Kabuki make-up syndrome; NIIKAWA-KUROKI SYNDROME. Identifiers: Orphanet 2322, MedGen C0796004, MONDO:0016512.

Allele frequency attached by ClinVar (database versions not stated): 1000 Genomes Project 30x 0.00016; 1000 Genomes Project 0.00020; gnomAD exomes 0.00023 and 0.00038; ESP Exome Variant Server 0.00029; gnomAD 0.00029 and 0.00031; ExAC 0.00030; TOPMed 0.00036.
gnomAD v4.1: 578 of 1,551,380 alleles (0.037%); highest among the groups gnomAD compares: Middle Eastern, 0.067%; no homozygotes.

Submissions (4):

CeGaT Center for Human Genetics Tuebingen
Classification: Likely benign. Last evaluated: 2026-08-01. Review status: criteria provided, single submitter. Criteria: CeGaT Center For Human Genetics Tuebingen Variant Classification Criteria Version 2. Collection method: clinical testing. Allele origin: germline. Affected: yes. Observed: 8 variant alleles.
Comment: KMT2D: BP4, BP7

Labcorp Genetics (formerly Invitae), Labcorp
Classification: Likely benign for Kabuki syndrome. Last evaluated: 2026-02-01. Review status: criteria provided, single submitter. Criteria: Invitae Variant Classification Sherloc (09022015). Collection method: clinical testing. Allele origin: germline.

Blueprint Genetics
Classification: Likely benign. Last evaluated: 2024-09-16. Review status: criteria provided, single submitter. Criteria: ACMG Guidelines, 2015. Collection method: clinical testing. Allele origin: germline.

Athena Diagnostics
Classification: Benign. Last evaluated: 2018-07-26. Review status: criteria provided, single submitter. Criteria: Athena Diagnostics Criteria. Collection method: clinical testing. Allele origin: germline.